The following is an entry in ClinVar:

ClinVar aggregate classification (germline): Uncertain significance. Review status: criteria provided, multiple submitters, no conflicts (2 of 4 stars). 2 submissions from 2 submitters: Uncertain significance (2). Last evaluated 2024-11-26.

Conditions:
Hereditary cancer-predisposing syndrome. Also called: Tumor predisposition; Hereditary neoplastic syndrome; Hereditary Cancer Syndrome; Neoplastic Syndromes, Hereditary. Identifiers: Orphanet 140162, MedGen C0027672, MeSH D009386, MONDO:0015356.
Retinoblastoma (RB1). Also called: RETINOBLASTOMA, SOMATIC. Identifiers: Orphanet 790, MedGen C0035335, MeSH D012175, MONDO:0008380, OMIM 180200, HP:0009919. Disease mechanism: loss of function. Inheritance: Both sporadic and heritable forms are tested..

Submissions (2):

Ambry Genetics
Classification: Uncertain significance for Hereditary cancer-predisposing syndrome. Last evaluated: 2024-11-26. Review status: criteria provided, single submitter. Criteria: Ambry Variant Classification Scheme 2023. Collection method: clinical testing. Allele origin: germline.
Comment: The p.D41H variant (also known as c.121G>C), located in coding exon 1 of the RB1 gene, results from a G to C substitution at nucleotide position 121. The aspartic acid at codon 41 is replaced by histidine, an amino acid with similar properties. This amino acid position is conserved. In addition, the in silico prediction for this alteration is inconclusive. Based on the available evidence, the clinical significance of this variant remains unclear.

Labcorp Genetics (formerly Invitae), Labcorp
Classification: Uncertain significance for Retinoblastoma. Last evaluated: 2024-11-07. Review status: criteria provided, single submitter. Criteria: Invitae Variant Classification Sherloc (09022015). Collection method: clinical testing. Allele origin: germline.
Comment: This sequence change replaces aspartic acid, which is acidic and polar, with histidine, which is basic and polar, at codon 41 of the RB1 protein (p.Asp41His). This variant is not present in population databases (gnomAD no frequency). This variant has not been reported in the literature in individuals affected with RB1-related conditions. ClinVar contains an entry for this variant (Variation ID: 1051248). Invitae Evidence Modeling of protein sequence and biophysical properties (such as structural, functional, and spatial information, amino acid conservation, physicochemical variation, residue mobility, and thermodynamic stability) has been performed for this missense variant. However, the output from this modeling did not meet the statistical confidence thresholds required to predict the impact of this variant on RB1 protein function. In summary, the available evidence is currently insufficient to determine the role of this variant in disease. Therefore, it has been classified as a Variant of Uncertain Significance.

NM_000321.3(RB1):c.121G>C (p.Asp41His)

Gene: RB1 (RB transcriptional corepressor 1; plus strand). Cytogenetic location: 13q14.2.
Variant type: single nucleotide variant.
Coding change: c.121G>C on transcript NM_000321.3 (MANE Select); coding-DNA position 121, G replaced by C.
Protein change: p.Asp41His; replaces aspartic acid 41 with histidine.
Molecular consequence: missense variant.
Genome position (GRCh38, 1-based): chr13:48,304,033, G>C. VCF-style: chr13-48304033-G-C. GRCh37 (hg19) VCF-style: chr13-48878169-G-C.
Other names: c.121G>C (NM_000321.2); short protein forms D41H.
Identifiers: ClinVar variation 1051248 (VCV001051248.10), dbSNP rs775161380, ClinGen allele CA388250373.